The following is an entry in ClinVar:

ClinVar aggregate classification (germline): Uncertain significance. Review status: criteria provided, multiple submitters, no conflicts (2 of 4 stars). 3 submissions from 3 submitters: Uncertain significance (3). Last evaluated 2024-04-17.

Conditions:
Cardiovascular phenotype. Identifiers: MedGen CN230736.
Arrhythmogenic right ventricular dysplasia 11. Also called: ARRHYTHMOGENIC RIGHT VENTRICULAR DYSPLASIA, FAMILIAL, 11; Arrhythmogenic Right Ventricular Dysplasia/Cardiomyopathy11; Arrhythmogenic right ventricular dysplasia 11 with mild palmoplantar keratoderma and woolly hair. Identifiers: MedGen C1864850, MONDO:0012506, OMIM 610476.
Cardiomyopathy (CMYO). Also called: Cardiomyopathies. Identifiers: Orphanet 167848, MedGen C0878544, MONDO:0004994, HP:0001638. Inheritance: Various modes of inheritance.

Allele frequency attached by ClinVar (database versions not stated): gnomAD exomes below 0.00001; ExAC 0.00001.
gnomAD v4.1: 2 of 1,614,162 alleles (0.00012%); highest among the groups gnomAD compares: South Asian, 0.0011%; no homozygotes.

Submissions (3):

Labcorp Genetics (formerly Invitae), Labcorp
Classification: Uncertain significance for Arrhythmogenic right ventricular dysplasia 11. Last evaluated: 2024-04-17. Review status: criteria provided, single submitter. Criteria: Invitae Variant Classification Sherloc (09022015). Collection method: clinical testing. Allele origin: germline.
Comment: This sequence change replaces asparagine, which is neutral and polar, with serine, which is neutral and polar, at codon 491 of the DSC2 protein (p.Asn491Ser). This variant is present in population databases (rs770114301, gnomAD 0.003%). This variant has not been reported in the literature in individuals affected with DSC2-related conditions. ClinVar contains an entry for this variant (Variation ID: 921253). Advanced modeling of protein sequence and biophysical properties (such as structural, functional, and spatial information, amino acid conservation, physicochemical variation, residue mobility, and thermodynamic stability) performed at Invitae indicates that this missense variant is not expected to disrupt DSC2 protein function with a negative predictive value of 80%. In summary, the available evidence is currently insufficient to determine the role of this variant in disease. Therefore, it has been classified as a Variant of Uncertain Significance.

Color Diagnostics, LLC DBA Color Health
Classification: Uncertain significance for Cardiomyopathy. Last evaluated: 2024-03-07. Review status: criteria provided, single submitter. Criteria: ACMG Guidelines, 2015. Collection method: clinical testing. Allele origin: germline.
Comment: This missense variant replaces asparagine with serine at codon 491 of the DSC2 protein. Computational prediction suggests that this variant may not impact protein structure and function (internally defined REVEL score threshold <= 0.5, PMID: 27666373). To our knowledge, functional studies have not been reported for this variant. This variant has not been reported in individuals affected with cardiovascular disorders in the literature. This variant has been identified in 1/251280 chromosomes in the general population by the Genome Aggregation Database (gnomAD). The available evidence is insufficient to determine the role of this variant in disease conclusively. Therefore, this variant is classified as a Variant of Uncertain Significance.

Ambry Genetics
Classification: Uncertain significance for Cardiovascular phenotype. Last evaluated: 2020-03-19. Review status: criteria provided, single submitter. Criteria: Ambry Variant Classification Scheme 2023. Collection method: clinical testing. Allele origin: germline.
Comment: The p.N491S variant (also known as c.1472A>G), located in coding exon 10 of the DSC2 gene, results from an A to G substitution at nucleotide position 1472. The asparagine at codon 491 is replaced by serine, an amino acid with highly similar properties. This amino acid position is poorly conserved in available vertebrate species, and serine is the reference amino acid in other vertebrate species. In addition, this alteration is predicted to be tolerated by in silico analysis. Since supporting evidence is limited at this time, the clinical significance of this alteration remains unclear.

NM_024422.6(DSC2):c.1472A>G (p.Asn491Ser)

Gene: DSC2 (desmocollin 2; minus strand). Cytogenetic location: 18q12.1.
Variant type: single nucleotide variant.
Coding change: c.1472A>G on transcript NM_024422.6 (MANE Select); coding-DNA position 1472, A replaced by G.
Protein change: p.Asn491Ser; replaces asparagine 491 with serine.
Molecular consequence: missense variant.
Genome position (GRCh38, 1-based): chr18:31,080,144, T>C on the plus strand (A>G on the coding strand, the complement: DSC2 is on the minus strand). VCF-style: chr18-31080144-T-C. GRCh37 (hg19) VCF-style: chr18-28660110-T-C.
Other names: c.1472A>G, p.Asn491Ser (NM_004949.5); short protein forms N491S.
Identifiers: ClinVar variation 921253 (VCV000921253.8), dbSNP rs770114301, ClinGen allele CA031451.